The following is an entry in ClinVar:

ClinVar aggregate classification (germline): Uncertain significance. Review status: criteria provided, multiple submitters, no conflicts (2 of 4 stars). 4 submissions from 4 submitters: Uncertain significance (3). 1 of the submissions does not count toward it. Last evaluated 2025-08-29.

Conditions:
Cardiomyopathy (CMYO). Also called: Cardiomyopathies. Identifiers: Orphanet 167848, MedGen C0878544, MONDO:0004994, HP:0001638. Inheritance: Various modes of inheritance.
Duchenne muscular dystrophy (DMD). Also called: MUSCULAR DYSTROPHY, PSEUDOHYPERTROPHIC PROGRESSIVE, DUCHENNE TYPE; Duchenne Muscular Dystrophy (DMD). Identifiers: Orphanet 98896, MedGen C0013264, MONDO:0010679, OMIM 310200.
Becker muscular dystrophy (BMD). Also called: MUSCULAR DYSTROPHY, PSEUDOHYPERTROPHIC PROGRESSIVE, BECKER TYPE; Becker Muscular Dystrophy (BMD). Identifiers: Orphanet 98895, MedGen C0917713, MONDO:0010311, OMIM 300376.
Dystrophin deficiency.
Dilated cardiomyopathy 3B (CMD3B). Also called: CMD3B: DMD-Related Dilated Cardiomyopathy; CARDIOMYOPATHY, DILATED, X-LINKED; DMD-Associated Dilated Cardiomyopathy. Identifiers: Orphanet 154, MedGen C3668940, MONDO:0010542, OMIM 302045.

Allele frequency attached by ClinVar (database versions not stated): ExAC 0.00001; gnomAD exomes 0.00001; TOPMed 0.00002.
gnomAD v4.1: 3 of 1,208,515 alleles (0.00025%); highest among the groups gnomAD compares: Admixed American, 0.0044%; no homozygotes.

Submissions (4):

Labcorp Genetics (formerly Invitae), Labcorp
Classification: Uncertain significance for Duchenne muscular dystrophy. Last evaluated: 2025-08-29. Review status: criteria provided, single submitter. Criteria: Invitae Variant Classification Sherloc (09022015). Collection method: clinical testing. Allele origin: germline.
Comment: This sequence change replaces glutamine, which is neutral and polar, with glutamic acid, which is acidic and polar, at codon 1836 of the DMD protein (p.Gln1836Glu). This variant is present in population databases (rs770845480, gnomAD 0.004%). This variant has not been reported in the literature in individuals affected with DMD-related conditions. ClinVar contains an entry for this variant (Variation ID: 618596). Invitae Evidence Modeling of protein sequence and biophysical properties (such as structural, functional, and spatial information, amino acid conservation, physicochemical variation, residue mobility, and thermodynamic stability) indicates that this missense variant is not expected to disrupt DMD protein function with a negative predictive value of 95%. In summary, the available evidence is currently insufficient to determine the role of this variant in disease. Therefore, it has been classified as a Variant of Uncertain Significance.

Fulgent Genetics
Classification: Uncertain significance for Becker muscular dystrophy; Dilated cardiomyopathy 3B; Duchenne muscular dystrophy. Last evaluated: 2021-07-26. Review status: criteria provided, single submitter. Criteria: ACMG Guidelines, 2015. Collection method: clinical testing. Allele origin: unknown.

ARUP Laboratories, Molecular Genetics and Genomics, ARUP Laboratories
Classification: Uncertain significance. Last evaluated: 2017-05-14. Review status: criteria provided, single submitter. Criteria: ARUP Molecular Germline Variant Investigation Process. Collection method: clinical testing. Allele origin: germline.
Comment: The p.Gln1836Glu variant (rs770845480) has not been reported in the medical literature, gene specific variation databases, nor has it been previously identified by our laboratory. This variant is listed in the Exome Aggregation Consortium Browser with an overall population frequency of 0.001 percent (identified on 1 out of 85,550 chromosomes). The glutamine at position 1836 is moderately conserved (considering 7 species, Alamut v.2.9.0) and computational analyses of the effects of the p.Gln1836Glu variant on protein structure and function provide conflicting results (SIFT: tolerated, PolyPhen-2: benign). Altogether, there is not enough evidence to classify the p.Gln1836Glu variant with certainty.

Natera, Inc.
Classification: Uncertain significance for Becker muscular dystrophy; Cardiomyopathy; Duchenne muscular dystrophy; Dystrophin deficiency. Last evaluated: 2018-08-21. Review status: no assertion criteria provided. Collection method: clinical testing. Allele origin: germline. Not counted in ClinVar's aggregate classification.

NM_004006.3(DMD):c.5506C>G (p.Gln1836Glu)

Gene: DMD (dystrophin; minus strand). Cytogenetic location: Xp21.1.
Variant type: single nucleotide variant.
Coding change: c.5506C>G on transcript NM_004006.3 (MANE Select); coding-DNA position 5506, C replaced by G.
Protein change: p.Gln1836Glu; replaces glutamine 1836 with glutamic acid.
Molecular consequence: missense variant.
Genome position (GRCh38, 1-based): chrX:32,346,023, G>C on the plus strand (C>G on the coding strand, the complement: DMD is on the minus strand). VCF-style: chrX-32346023-G-C. GRCh37 (hg19) VCF-style: chrX-32364140-G-C.
Other names: c.5482C>G, p.Gln1828Glu (NM_000109.4); c.5494C>G, p.Gln1832Glu (NM_004009.3); c.5137C>G, p.Gln1713Glu (NM_004010.3); c.1483C>G, p.Gln495Glu (NM_004011.4); c.1474C>G, p.Gln492Glu (NM_004012.4); short protein forms Q1836E, Q1713E, Q1828E, Q1832E, Q492E, Q495E.
Identifiers: ClinVar variation 618596 (VCV000618596.12), dbSNP rs770845480, ClinGen allele CA10378667.
Genomic context (GRCh38, chrX:32,346,023, plus strand): 5'-TCTGTAACAGCTGCTGTTTTATCTTTATTTCCTCTCGCTTTCTCTCATCTGTGATTCTTT[G>C]TTGTAAGTTGTCTCCTCTTTGCAACAATTCTTTTACAGTACCCTCATTGTCTTCATTCTG-3'
Protein context (NP_003997.2, residues 1826-1846): ELLQRGDNLQ[Gln1836Glu]RITDERKREE